The following is an entry in ClinVar:

NM_000264.5(PTCH1):c.2370T>A (p.Phe790Leu)

Genes: PTCH1 (patched 1; minus strand), LOC100507346 (uncharacterized LOC100507346; plus strand). Cytogenetic location: 9q22.32.
Variant type: single nucleotide variant.
Coding change: c.2370T>A on transcript NM_000264.5 (MANE Select); coding-DNA position 2370, T replaced by A.
Protein change: p.Phe790Leu; replaces phenylalanine 790 with leucine.
Molecular consequence: missense variant.
Genome position (GRCh38, 1-based): chr9:95,467,306, A>T on the plus strand (T>A on the coding strand, the complement: PTCH1 is on the minus strand). VCF-style: chr9-95467306-A-T. GRCh37 (hg19) VCF-style: chr9-98229588-A-T.
Other names: c.2172T>A, p.Phe724Leu (NM_001083602.3); c.2367T>A, p.Phe789Leu (NM_001083603.3); c.1917T>A, p.Phe639Leu (NM_001083604.3, NM_001083605.3, NM_001083606.3 and 1 more transcripts); c.2214T>A, p.Phe738Leu (NM_001354918.2); short protein forms F790L, F724L, F738L, F789L, F639L.
Identifiers: ClinVar variation 409217 (VCV000409217.9), dbSNP rs1060502300, ClinGen allele CA16612925.

ClinVar aggregate classification (germline): Uncertain significance (1 of 4 stars; one submission).

Conditions:
Gorlin syndrome. Also called: Nevoid Basal Cell Carcinoma Syndrome; Basal cell nevus syndrome. Identifiers: Orphanet 377, MedGen C0004779, MONDO:0007187.

Submission:

Labcorp Genetics (formerly Invitae), Labcorp
Classification: Uncertain significance for Gorlin syndrome. Last evaluated: 2016-12-14. Review status: criteria provided, single submitter. Criteria: Invitae Variant Classification Sherloc (09022015). Collection method: clinical testing. Allele origin: germline.
Comment: This sequence change replaces phenylalanine with leucine at codon 790 of the PTCH1 protein (p.Phe790Leu). The phenylalanine residue is highly conserved and there is a small physicochemical difference between phenylalanine and leucine. This variant is not present in population databases (ExAC no frequency) and has not been reported in the literature in individuals with a PTCH1-related disease. Algorithms developed to predict the effect of missense changes on protein structure and function do not agree on the potential impact of this missense change (SIFT: "Deleterious"; PolyPhen-2: "Probably Damaging"; Align-GVGD: "Class C0"). In summary, this variant is a novel missense change with uncertain impact on protein function. It has been classified as a Variant of Uncertain Significance.